The following is an entry in ClinVar:

NM_001127511.3(APC):c.40_49del (p.Pro14fs)

Gene: APC (APC regulator of Wnt signaling pathway; plus strand). Cytogenetic location: 5q22.2.
Variant type: Deletion.
Coding change: c.40_49del on transcript NM_001127511.3; coding-DNA positions 40 to 49, 10 bases deleted (CCCGCTTCTG; older notation c.40_49delCCCGCTTCTG).
Protein change: p.Pro14fs; shifts the reading frame from proline 14.
Molecular consequence: frameshift variant. On other transcripts: 5 prime UTR variant (8), non-coding transcript variant (1), intron variant (5).
Genome position (GRCh38, 1-based): chr5:112,707,757-112,707,766, CCCGCTTCTG deleted; deleting any 10 consecutive bases within chr5:112,707,755-112,707,766 gives the same sequence; the c. name uses the placement nearest the transcript's 3' end. VCF-style (leftmost placement, unchanged base first): chr5-112707754-TTGCCCGCTTC-T. GRCh37 (hg19) VCF-style: chr5-112043451-TTGCCCGCTTC-T.
Other names: c.-144_-135del (NM_001354895.2, NM_001407447.1, NM_001407452.1 and 3 more transcripts); c.40_49del, p.Pro14fs (NM_001354897.2, NM_001354902.2, NM_001407446.1); c.-1179_-1170del (NM_001407470.1, NM_001407472.1); c.-19+108_-19+117del (NM_001407448.1, NM_001407450.1, NM_001407457.1 and 1 more transcripts); c.-43+108_-43+117del (NM_001407453.1); short protein forms P14fs.
Identifiers: ClinVar variation 1052820 (VCV001052820.10), dbSNP rs2149630638, ClinGen allele CA2499217403.

ClinVar aggregate classification (germline): Uncertain significance (1 of 4 stars; one submission).

Conditions:
Familial adenomatous polyposis 1 (FAP1). Also called: FAMILIAL ADENOMATOUS POLYPOSIS 1, ATTENUATED; POLYPOSIS, ADENOMATOUS INTESTINAL. Identifiers: MedGen C2713442, MONDO:0021056, OMIM 175100. Disease mechanism: loss of function.

Submission:

Labcorp Genetics (formerly Invitae), Labcorp
Classification: Uncertain significance for Familial adenomatous polyposis 1. Last evaluated: 2025-08-29. Review status: criteria provided, single submitter. Criteria: Invitae Variant Classification Sherloc (09022015). Collection method: clinical testing. Allele origin: germline.
Comment: This variant occurs in a non-coding region of the APC gene. It does not change the encoded amino acid sequence of the APC protein. This variant is not present in population databases (gnomAD no frequency). This variant has not been reported in the literature in individuals affected with APC-related conditions. Experimental studies and prediction algorithms are not available or were not evaluated, and the functional significance of this variant is currently unknown. In summary, the available evidence is currently insufficient to determine the role of this variant in disease. Therefore, it has been classified as a Variant of Uncertain Significance.